The following is an entry in ClinVar:

ClinVar aggregate classification (germline): Uncertain significance (1 of 4 stars; one submission).

gnomAD v4.1: 4 of 1,614,048 alleles (0.00025%); highest among the groups gnomAD compares: African/African-American, 0.0053%; no homozygotes.

Submission:

Women's Health and Genetics/Laboratory Corporation of America, LabCorp
Classification: Uncertain significance. Last evaluated: 2025-02-21. Review status: criteria provided, single submitter. Criteria: LabCorp Variant Classification Summary - May 2015. Collection method: clinical testing. Allele origin: germline.
Comment: Variant summary: ABCA4 c.3043T>C (p.Phe1015Leu) results in a non-conservative amino acid change in the encoded protein sequence. Five of five in-silico tools predict a damaging effect of the variant on protein function. The variant was absent in 251472 control chromosomes. The available data on variant occurrences in the general population are insufficient to allow any conclusion about variant significance. c.3043T>C has been reported in the literature in individuals affected with Stargardt disease, without strong evidence for causality (Zernant_2014, Zernant_2018). These report(s) do not provide unequivocal conclusions about association of the variant with Retinitis Pigmentosa. To our knowledge, no experimental evidence demonstrating an impact on protein function has been reported. The following publications have been ascertained in the context of this evaluation (PMID: 25066811, 28446513). No submitters have cited clinical-significance assessments for this variant to ClinVar. Based on the evidence outlined above, the variant was classified as uncertain significance.

Literature cited by the submitters: PubMed 28446513; PubMed 25066811.

NM_000350.3(ABCA4):c.3043T>C (p.Phe1015Leu)

Gene: ABCA4 (ATP binding cassette subfamily A member 4; minus strand). Cytogenetic location: 1p22.1.
Variant type: single nucleotide variant.
Coding change: c.3043T>C on transcript NM_000350.3 (MANE Select); coding-DNA position 3043, T replaced by C.
Protein change: p.Phe1015Leu; replaces phenylalanine 1015 with leucine.
Molecular consequence: missense variant.
Genome position (GRCh38, 1-based): chr1:94,044,620, A>G on the plus strand (T>C on the coding strand, the complement: ABCA4 is on the minus strand). VCF-style: chr1-94044620-A-G. GRCh37 (hg19) VCF-style: chr1-94510176-A-G.
Other names: c.2821T>C, p.Phe941Leu (NM_001425324.1); short protein forms F1015L, F941L.
Identifiers: ClinVar variation 3768900 (VCV003768900.1).
Genomic context (GRCh38, chr1:94,044,620, plus strand): 5'-GGGGCAGAGGTGAGGAGAGGGGATGGGGCGGTCTCAGTTCCTGTGTCGCTTACTGGTGGA[A>G]CAGGATGTTGTGCTGTGGACACATGCCAAGGCTCTGCCGGACTGCATCCAGGCTGGTTTC-3'
Protein context (NP_000341.2, residues 1005-1025): LGMCPQHNIL[Phe1015Leu]HHLTVAEHML